The following is an entry in ClinVar:

NM_001374736.1(DST):c.4548G>C (p.Trp1516Cys)

Gene: DST (dystonin; minus strand). Cytogenetic location: 6p12.1.
Variant type: single nucleotide variant.
Coding change: c.4548G>C on transcript NM_001374736.1 (MANE Select); coding-DNA position 4548, G replaced by C.
Protein change: p.Trp1516Cys; replaces tryptophan 1516 with cysteine.
Molecular consequence: missense variant.
Genome position (GRCh38, 1-based): chr6:56,628,089, C>G on the plus strand (G>C on the coding strand, the complement: DST is on the minus strand). VCF-style: chr6-56628089-C-G. GRCh37 (hg19) VCF-style: chr6-56492887-C-G.
Other names: c.4449G>C, p.Trp1483Cys (NM_001144769.5); c.4035G>C, p.Trp1345Cys (NM_001144770.2); c.4548G>C, p.Trp1516Cys (NM_001374722.1); c.3915G>C, p.Trp1305Cys (NM_001374729.1, NM_001374730.1, NM_001386100.1 and 1 more transcripts); c.4575G>C, p.Trp1525Cys (NM_001374734.1); c.2937G>C, p.Trp979Cys (NM_001723.7, NM_015548.5); short protein forms W1345C, W1483C, W1525C, W979C, W1516C, W1305C.
Identifiers: ClinVar variation 952004 (VCV000952004.10), dbSNP rs149154059, ClinGen allele CA3870867.

ClinVar aggregate classification (germline): Uncertain significance. Review status: criteria provided, multiple submitters, no conflicts (2 of 4 stars). 2 submissions from 2 submitters: Uncertain significance (2). Last evaluated 2025-03-05.

Conditions:
Epidermolysis bullosa simplex 3, localized or generalized intermediate, with BP230 deficiency (EBS3). Also called: Epidermolysis bullosa simplex, autosomal recessive 2; Epidermolysis bullosa simplex due to BP230 deficiency. Identifiers: Orphanet 412181, MedGen C3809470, MONDO:0014180, OMIM 615425.
Hereditary sensory and autonomic neuropathy type 6. Also called: HSAN VI; Neuropathy, hereditary sensory and autonomic, type VI. Identifiers: Orphanet 314381, MedGen C3539003, MONDO:0013839, OMIM 614653.
DST-related disorder. Also called: DST-related condition; DST-related disorders.

Allele frequency attached by ClinVar (database versions not stated): gnomAD exomes 0.00001 and 0.00002; ExAC 0.00002; TOPMed 0.00002; gnomAD 0.00004; ESP Exome Variant Server 0.00008.
gnomAD v4.1: 11 of 1,613,606 alleles (0.00068%); highest among the groups gnomAD compares: African/African-American, 0.015%; no homozygotes.

Submissions (2):

PreventionGenetics, part of Exact Sciences
Classification: Uncertain significance for DST-related condition. Last evaluated: 2025-03-05. Review status: criteria provided, single submitter. Criteria: ACMG Guidelines, 2015. Collection method: clinical testing. Allele origin: germline.
Comment: The DST c.2937G>C variant is predicted to result in the amino acid substitution p.Trp979Cys. To our knowledge, this variant has not been reported in the literature. This variant is reported in 0.024% of alleles in individuals of African descent in gnomAD. At this time, the clinical significance of this variant is uncertain due to the absence of conclusive functional and genetic evidence.

Labcorp Genetics (formerly Invitae), Labcorp
Classification: Uncertain significance for Epidermolysis bullosa simplex 3, localized or generalized intermediate, with BP230 deficiency; Hereditary sensory and autonomic neuropathy type 6. Last evaluated: 2024-09-21. Review status: criteria provided, single submitter. Criteria: Invitae Variant Classification Sherloc (09022015). Collection method: clinical testing. Allele origin: germline.
Comment: This sequence change replaces tryptophan, which is neutral and slightly polar, with cysteine, which is neutral and slightly polar, at codon 979 of the DST protein (p.Trp979Cys). This variant is present in population databases (rs149154059, gnomAD 0.02%). This variant has not been reported in the literature in individuals affected with DST-related conditions. ClinVar contains an entry for this variant (Variation ID: 952004). An algorithm developed to predict the effect of missense changes on protein structure and function (PolyPhen-2) suggests that this variant is likely to be disruptive. In summary, the available evidence is currently insufficient to determine the role of this variant in disease. Therefore, it has been classified as a Variant of Uncertain Significance.